The following is an entry in ClinVar:

ClinVar aggregate classification (germline): Uncertain significance. Review status: criteria provided, multiple submitters, no conflicts (2 of 4 stars). 2 submissions from 2 submitters: Uncertain significance (2). Last evaluated 2023-10-12.

Allele frequency attached by ClinVar (database versions not stated): ExAC 0.00001; gnomAD 0.00001; gnomAD exomes 0.00001; TOPMed 0.00001; ESP Exome Variant Server 0.00008.
gnomAD v4.1: 17 of 1,613,052 alleles (0.0011%); no homozygotes.

Submissions (2):

Ambry Genetics
Classification: Uncertain significance. Last evaluated: 2023-10-12. Review status: criteria provided, single submitter. Criteria: Ambry Variant Classification Scheme 2023. Collection method: clinical testing. Allele origin: germline.

Labcorp Genetics (formerly Invitae), Labcorp
Classification: Uncertain significance. Last evaluated: 2021-12-02. Review status: criteria provided, single submitter. Criteria: Invitae Variant Classification Sherloc (09022015). Collection method: clinical testing. Allele origin: germline.
Comment: In summary, the available evidence is currently insufficient to determine the role of this variant in disease. Therefore, it has been classified as a Variant of Uncertain Significance. Algorithms developed to predict the effect of missense changes on protein structure and function (SIFT, PolyPhen-2, Align-GVGD) all suggest that this variant is likely to be tolerated. This variant has not been reported in the literature in individuals affected with ATPAF2-related conditions. This variant is present in population databases (rs375062622, gnomAD 0.03%). This sequence change replaces serine, which is neutral and polar, with asparagine, which is neutral and polar, at codon 28 of the ATPAF2 protein (p.Ser28Asn).

NM_145691.4(ATPAF2):c.83G>A (p.Ser28Asn)

Genes: ATPAF2 (ATP synthase mitochondrial F1 complex assembly factor 2; minus strand), LOC130060410 (ATAC-STARR-seq lymphoblastoid active region 11821; plus strand). Cytogenetic location: 17p11.2.
Variant type: single nucleotide variant.
Coding change: c.83G>A on transcript NM_145691.4 (MANE Select); coding-DNA position 83, G replaced by A.
Protein change: p.Ser28Asn; replaces serine 28 with asparagine.
Molecular consequence: missense variant.
Genome position (GRCh38, 1-based): chr17:18,038,931, C>T on the plus strand (G>A on the coding strand, the complement: ATPAF2 is on the minus strand). VCF-style: chr17-18038931-C-T. GRCh37 (hg19) VCF-style: chr17-17942245-C-T.
Other names: c.83G>A (NM_145691.3); short protein forms S28N.
Identifiers: ClinVar variation 1484535 (VCV001484535.9), dbSNP rs375062622, ClinGen allele CA8422021.
Genomic context (GRCh38, chr17:18,038,931, plus strand): 5'-ATGGTCTTACCTGTCGGCGGGGCGTAAGCCCGGGCTGGAGACGGGATGGTTGGCCCCGGA[C>T]TCATAGAAGCGCTGGGGCCACCCGCCGGCCGATTCAGGAGACGGCGTCCCCCGTCCCGCA-3'
Protein context (NP_663729.1, residues 18-38): RPAGGPSASM[Ser28Asn]PGPTIPSPAR